The following is an entry in ClinVar:

NM_001366385.1(CARD14):c.1882A>G (p.Lys628Glu)

Genes: CARD14 (caspase recruitment domain family member 14; plus strand), SGSH (N-sulfoglucosamine sulfohydrolase; minus strand). Cytogenetic location: 17q25.3.
Variant type: single nucleotide variant.
Coding change: c.1882A>G on transcript NM_001366385.1 (MANE Select); coding-DNA position 1882, A replaced by G.
Protein change: p.Lys628Glu; replaces lysine 628 with glutamic acid.
Molecular consequence: missense variant. On other transcripts: non-coding transcript variant (1).
Genome position (GRCh38, 1-based): chr17:80,201,774, A>G. VCF-style: chr17-80201774-A-G. GRCh37 (hg19) VCF-style: chr17-78175573-A-G.
Other names: c.1882A>G, p.Lys628Glu (NM_001257970.1, NM_024110.4); short protein forms K628E.
Identifiers: ClinVar variation 2930080 (VCV002930080.3), dbSNP rs2040988886, ClinGen allele CA401352436.

ClinVar aggregate classification (germline): Uncertain significance (1 of 4 stars; one submission).

Conditions:
Pityriasis rubra pilaris (PRP). Also called: Pityriasis rubra pilaris--familial type. Identifiers: Orphanet 2897, MedGen C0032027, MONDO:0100017, OMIM 173200, MONDO:0008251.
Psoriasis 2. Identifiers: MedGen C1864497, MONDO:0011269, OMIM 602723.

Allele frequency attached by ClinVar (database versions not stated): gnomAD exomes below 0.00001; gnomAD 0.00001.
gnomAD v4.1: 4 of 1,613,848 alleles (0.00025%); highest among the groups gnomAD compares: Non-Finnish European, 0.00034%; no homozygotes.

Submission:

Labcorp Genetics (formerly Invitae), Labcorp
Classification: Uncertain significance for Pityriasis rubra pilaris; Psoriasis 2. Last evaluated: 2023-07-12. Review status: criteria provided, single submitter. Criteria: Invitae Variant Classification Sherloc (09022015). Collection method: clinical testing. Allele origin: germline.
Comment: In summary, the available evidence is currently insufficient to determine the role of this variant in disease. Therefore, it has been classified as a Variant of Uncertain Significance. Advanced modeling of protein sequence and biophysical properties (such as structural, functional, and spatial information, amino acid conservation, physicochemical variation, residue mobility, and thermodynamic stability) performed at Invitae indicates that this missense variant is expected to disrupt CARD14 protein function. This variant has not been reported in the literature in individuals affected with CARD14-related conditions. This variant is not present in population databases (gnomAD no frequency). This sequence change replaces lysine, which is basic and polar, with glutamic acid, which is acidic and polar, at codon 628 of the CARD14 protein (p.Lys628Glu).